The following is an entry in ClinVar:

ClinVar aggregate classification (germline): Benign/Likely benign. Review status: criteria provided, multiple submitters, no conflicts (2 of 4 stars). 2 submissions from 2 submitters: Benign (1); Likely benign (1). Last evaluated 2026-09-01.

Allele frequency attached by ClinVar (database versions not stated): ExAC 0.00022; 1000 Genomes Project 30x 0.00047; 1000 Genomes Project 0.00060; ESP Exome Variant Server 0.00092.
gnomAD v4.1: 202 of 1,614,276 alleles (0.013%); highest among the groups gnomAD compares: African/African-American, 0.21%; 2 homozygotes.

Submissions (2):

CeGaT Center for Human Genetics Tuebingen
Classification: Likely benign. Last evaluated: 2026-09-01. Review status: criteria provided, single submitter. Criteria: CeGaT Center For Human Genetics Tuebingen Variant Classification Criteria Version 2. Collection method: clinical testing. Allele origin: germline. Affected: yes. Observed: 2 variant alleles.
Comment: USP7: BP4, BS1

Labcorp Genetics (formerly Invitae), Labcorp
Classification: Benign. Last evaluated: 2025-11-28. Review status: criteria provided, single submitter. Criteria: Invitae Variant Classification Sherloc (09022015). Collection method: clinical testing. Allele origin: germline.

NM_003470.3(USP7):c.3111+8G>C

Gene: USP7 (ubiquitin specific peptidase 7; minus strand). Cytogenetic location: 16p13.2.
Variant type: single nucleotide variant.
Coding change: c.3111+8G>C on transcript NM_003470.3 (MANE Select); 8 bases into the intron after coding-DNA position 3111, G replaced by C.
Molecular consequence: intron variant.
Genome position (GRCh38, 1-based): chr16:8,894,776, C>G on the plus strand (G>C on the coding strand, the complement: USP7 is on the minus strand). VCF-style: chr16-8894776-C-G. GRCh37 (hg19) VCF-style: chr16-8988633-C-G.
Other names: c.2937+8G>C (NM_001321858.2); c.3063+8G>C (NM_001286457.2); c.2814+8G>C (NM_001286458.2).
Identifiers: ClinVar variation 2068727 (VCV002068727.28), dbSNP rs112094515, ClinGen allele CA7894771.